The following is an entry in ClinVar:

NM_001903.5(CTNNA1):c.407C>G (p.Thr136Ser)

Gene: CTNNA1 (catenin alpha 1; plus strand). Cytogenetic location: 5q31.2.
Variant type: single nucleotide variant.
Coding change: c.407C>G on transcript NM_001903.5 (MANE Select); coding-DNA position 407, C replaced by G.
Protein change: p.Thr136Ser; replaces threonine 136 with serine.
Molecular consequence: missense variant.
Genome position (GRCh38, 1-based): chr5:138,810,143, C>G. VCF-style: chr5-138810143-C-G. GRCh37 (hg19) VCF-style: chr5-138145832-C-G.
Other names: c.407C>G, p.Thr136Ser (NM_001290307.3, NM_001323982.2, NM_001323983.1 and 3 more transcripts); c.98C>G, p.Thr33Ser (NM_001290309.3); c.38C>G, p.Thr13Ser (NM_001290310.3); short protein forms T136S, T13S, T33S.
Identifiers: ClinVar variation 1008623 (VCV001008623.8), dbSNP rs1758526073, ClinGen allele CA361123300.

ClinVar aggregate classification (germline): Uncertain significance (1 of 4 stars; one submission).

Submission:

Labcorp Genetics (formerly Invitae), Labcorp
Classification: Uncertain significance. Last evaluated: 2020-09-08. Review status: criteria provided, single submitter. Criteria: Invitae Variant Classification Sherloc (09022015). Collection method: clinical testing. Allele origin: germline.
Comment: In summary, the available evidence is currently insufficient to determine the role of this variant in disease. Therefore, it has been classified as a Variant of Uncertain Significance. Algorithms developed to predict the effect of sequence changes on RNA splicing suggest that this variant may create or strengthen a splice site, but this prediction has not been confirmed by published transcriptional studies. Algorithms developed to predict the effect of missense changes on protein structure and function are either unavailable or do not agree on the potential impact of this missense change (SIFT: "Deleterious"; PolyPhen-2: "Possibly Damaging"; Align-GVGD: "Class C0"). This variant has not been reported in the literature in individuals with CTNNA1-related conditions. This variant is not present in population databases (ExAC no frequency). This sequence change replaces threonine with serine at codon 136 of the CTNNA1 protein (p.Thr136Ser). The threonine residue is highly conserved and there is a small physicochemical difference between threonine and serine.